The following is an entry in ClinVar:

ClinVar aggregate classification (germline): Uncertain significance (1 of 4 stars; one submission).

Submission:

Labcorp Genetics (formerly Invitae), Labcorp
Classification: Uncertain significance. Last evaluated: 2022-03-26. Review status: criteria provided, single submitter. Criteria: Invitae Variant Classification Sherloc (09022015). Collection method: clinical testing. Allele origin: germline.
Comment: In summary, the available evidence is currently insufficient to determine the role of this variant in disease. Therefore, it has been classified as a Variant of Uncertain Significance. Algorithms developed to predict the effect of missense changes on protein structure and function (SIFT, PolyPhen-2, Align-GVGD) all suggest that this variant is likely to be tolerated. This variant has not been reported in the literature in individuals affected with CAD-related conditions. This variant is not present in population databases (gnomAD no frequency). This sequence change replaces glutamine, which is neutral and polar, with arginine, which is basic and polar, at codon 117 of the CAD protein (p.Gln117Arg).

NM_004341.5(CAD):c.350A>G (p.Gln117Arg)

Gene: CAD (carbamoyl-phosphate synthetase 2, aspartate transcarbamylase, and dihydroorotase; plus strand). Cytogenetic location: 2p23.3.
Variant type: single nucleotide variant.
Coding change: c.350A>G on transcript NM_004341.5 (MANE Select); coding-DNA position 350, A replaced by G.
Protein change: p.Gln117Arg; replaces glutamine 117 with arginine.
Molecular consequence: missense variant.
Genome position (GRCh38, 1-based): chr2:27,221,345, A>G. VCF-style: chr2-27221345-A-G. GRCh37 (hg19) VCF-style: chr2-27444213-A-G.
Other names: c.350A>G, p.Gln117Arg (NM_001306079.2); short protein forms Q117R.
Identifiers: ClinVar variation 2117066 (VCV002117066.4), dbSNP rs2465284676, ClinGen allele CA346197784.